The following is an entry in ClinVar:

NM_003098.3(SNTA1):c.227A>G (p.Gln76Arg)

Gene: SNTA1 (syntrophin alpha 1; minus strand). Cytogenetic location: 20q11.21.
Variant type: single nucleotide variant.
Coding change: c.227A>G on transcript NM_003098.3 (MANE Select); coding-DNA position 227, A replaced by G.
Protein change: p.Gln76Arg; replaces glutamine 76 with arginine.
Molecular consequence: missense variant.
Genome position (GRCh38, 1-based): chr20:33,443,394, T>C on the plus strand (A>G on the coding strand, the complement: SNTA1 is on the minus strand). VCF-style: chr20-33443394-T-C. GRCh37 (hg19) VCF-style: chr20-32031200-T-C.
Other names: c.227A>G (NM_003098.2); short protein forms Q76R.
Identifiers: ClinVar variation 1423965 (VCV001423965.9), dbSNP rs929041171, ClinGen allele CA313278955.
Genomic context (GRCh38, chr20:33,443,394, plus strand): 5'-CCGGCGTCGGCCTTGCGCACCGTCACGCGGCGCCGCTGGAGCAGTAGCGCCTCTGGCAGC[T>C]GCGGGGGCCCGGCGCCCGGCTCCGCGGCGCCGTTGAGCTGCGCGGGCTCCTGCTCCCGCG-3'
Protein context (NP_003089.1, residues 66-86): GAAEPGAGPP[Gln76Arg]LPEALLLQRR

ClinVar aggregate classification (germline): Conflicting classifications of pathogenicity. Review status: criteria provided, conflicting classifications (1 of 4 stars). 2 submissions from 2 submitters: Uncertain significance (1); Likely benign (1). Last evaluated 2025-12-05.

Conditions:
Cardiovascular phenotype. Identifiers: MedGen CN230736.
Long QT syndrome (LQTS). Identifiers: MedGen C0023976, MeSH D008133, MONDO:0002442. Disease mechanism: loss of function. Inheritance: Various modes of inheritance.

Allele frequency attached by ClinVar (database versions not stated): gnomAD exomes below 0.00001 and 0.00004; TOPMed 0.00001.
gnomAD v4.1: 4 of 1,369,428 alleles (0.00029%); highest among the groups gnomAD compares: African/African-American, 0.0031%; no homozygotes.

Submissions (2):

Ambry Genetics
Classification: Likely benign for Cardiovascular phenotype. Last evaluated: 2025-12-05. Review status: criteria provided, single submitter. Criteria: Ambry Variant Classification Scheme 2023. Collection method: clinical testing. Allele origin: germline.

Labcorp Genetics (formerly Invitae), Labcorp
Classification: Uncertain significance for Long QT syndrome. Last evaluated: 2022-09-04. Review status: criteria provided, single submitter. Criteria: Invitae Variant Classification Sherloc (09022015). Collection method: clinical testing. Allele origin: germline.
Comment: This variant has not been reported in the literature in individuals affected with SNTA1-related conditions. In summary, the available evidence is currently insufficient to determine the role of this variant in disease. Therefore, it has been classified as a Variant of Uncertain Significance. Algorithms developed to predict the effect of missense changes on protein structure and function (SIFT, PolyPhen-2, Align-GVGD) all suggest that this variant is likely to be tolerated. ClinVar contains an entry for this variant (Variation ID: 1423965). This variant is present in population databases (no rsID available, gnomAD 0.05%). This sequence change replaces glutamine, which is neutral and polar, with arginine, which is basic and polar, at codon 76 of the SNTA1 protein (p.Gln76Arg).